The following is an entry in ClinVar:

NM_000143.4(FH):c.1390+2T>G

Gene: FH (fumarate hydratase; minus strand). Cytogenetic location: 1q43.
Variant type: single nucleotide variant.
Coding change: c.1390+2T>G on transcript NM_000143.4 (MANE Select); the canonical splice donor site of the intron after coding-DNA position 1390, T replaced by G.
Molecular consequence: splice donor variant.
Genome position (GRCh38, 1-based): chr1:241,500,435, A>C on the plus strand (T>G on the coding strand, the complement: FH is on the minus strand). VCF-style: chr1-241500435-A-C. GRCh37 (hg19) VCF-style: chr1-241663735-A-C.
Identifiers: ClinVar variation 4725426 (VCV004725426.1).

ClinVar aggregate classification (germline): Pathogenic (1 of 4 stars; one submission).

Submission:

Labcorp Genetics (formerly Invitae), Labcorp
Classification: Pathogenic. Last evaluated: 2025-08-14. Review status: criteria provided, single submitter. Criteria: Invitae Variant Classification Sherloc (09022015). Collection method: clinical testing. Allele origin: germline.
Comment: This sequence change affects a donor splice site in intron 9 of the FH gene. RNA analysis indicates that disruption of this splice site induces altered splicing and likely disrupts the C-terminus of the protein. This variant is not present in population databases (gnomAD no frequency). Disruption of this splice site has been observed in individual(s) with clinical features of autosomal dominant FH tumor predisposition syndrome and autosomal recessive fumarate hydratase deficiency. (PMID: 27541980). It has also been observed to segregate with disease in related individuals. Variants that disrupt the consensus splice site are a relatively common cause of aberrant splicing (PMID: 17576681, 9536098). Studies have shown that disruption of this splice site results in activation of cryptic splice sites and intron retention and introduces a new termination codon (internal data). However the mRNA is not expected to undergo nonsense-mediated decay. This variant disrupts a region of the FH protein in which other variant(s) (p.Trp500*) have been determined to be pathogenic (PMID: 9635293, 21398687; internal data). This suggests that this is a clinically significant region of the protein, and that variants that disrupt it are likely to be disease-causing. For these reasons, this variant has been classified as Pathogenic.

Literature cited by the submitters: PubMed 27541980; PubMed 17576681; PubMed 9536098; PubMed 9635293; PubMed 21398687.